The following is an entry in ClinVar:

ClinVar aggregate classification (germline): Uncertain significance. Review status: criteria provided, multiple submitters, no conflicts (2 of 4 stars). 2 submissions from 2 submitters: Uncertain significance (2). Last evaluated 2026-02-03.

Conditions:
Charcot-Marie-Tooth disease axonal type 2O. Also called: CHARCOT-MARIE-TOOTH NEUROPATHY, AXONAL, TYPE 2O; CHARCOT-MARIE-TOOTH DISEASE, AXONAL, AUTOSOMAL DOMINANT, TYPE 2O; Charcot-Marie-Tooth Neuropathy Type 2O; Charcot-Marie-Tooth disease, axonal, type 20. Identifiers: Orphanet 284232, MedGen C3280220, MONDO:0013644, OMIM 614228.

Allele frequency attached by ClinVar (database versions not stated): gnomAD exomes 0.00001 and 0.00002; TOPMed 0.00001.
gnomAD v4.1: 25 of 1,614,148 alleles (0.0015%); highest among the groups gnomAD compares: East Asian, 0.0022%; no homozygotes.

Submissions (2):

Women's Health and Genetics/Laboratory Corporation of America, LabCorp
Classification: Uncertain significance. Last evaluated: 2026-02-03. Review status: criteria provided, single submitter. Criteria: LabCorp Variant Classification Summary - May 2015. Collection method: clinical testing. Allele origin: germline.
Comment: Variant summary: DYNC1H1 c.8677G>A (p.Val2893Ile) results in a conservative amino acid change in the encoded protein sequence. Algorithms developed to predict the effect of missense changes on protein structure and function are either unavailable or do not agree on the potential impact of this missense change. The variant allele was found at a frequency of 1.6e-05 in 1607176 control chromosomes (gnomAD, v4.1). The occurrence in several carriers suggests that this variant is likely not associated with a high penetrance, severe, early onset disease phenotype in heterozygous state. To our knowledge, no occurrence of c.8677G>A in individuals affected with DYNC1H1-related conditions and no experimental evidence demonstrating its impact on protein function have been reported. ClinVar contains an entry for this variant (Variation ID: 1396773). Based on the evidence outlined above, the variant was classified as VUS-possibly benign.

Labcorp Genetics (formerly Invitae), Labcorp
Classification: Uncertain significance for Charcot-Marie-Tooth disease axonal type 2O. Last evaluated: 2021-11-06. Review status: criteria provided, single submitter. Criteria: Invitae Variant Classification Sherloc (09022015). Collection method: clinical testing. Allele origin: germline.
Comment: In summary, the available evidence is currently insufficient to determine the role of this variant in disease. Therefore, it has been classified as a Variant of Uncertain Significance. Advanced modeling of protein sequence and biophysical properties (such as structural, functional, and spatial information, amino acid conservation, physicochemical variation, residue mobility, and thermodynamic stability) performed at Invitae indicates that this missense variant is not expected to disrupt DYNC1H1 protein function. This variant has not been reported in the literature in individuals affected with DYNC1H1-related conditions. This variant is present in population databases (no rsID available, gnomAD 0.002%). This sequence change replaces valine, which is neutral and non-polar, with isoleucine, which is neutral and non-polar, at codon 2893 of the DYNC1H1 protein (p.Val2893Ile).

NM_001376.5(DYNC1H1):c.8677G>A (p.Val2893Ile)

Gene: DYNC1H1 (dynein cytoplasmic 1 heavy chain 1; plus strand). Cytogenetic location: 14q32.31.
Variant type: single nucleotide variant.
Coding change: c.8677G>A on transcript NM_001376.5 (MANE Select); coding-DNA position 8677, G replaced by A.
Protein change: p.Val2893Ile; replaces valine 2893 with isoleucine.
Molecular consequence: missense variant.
Genome position (GRCh38, 1-based): chr14:102,026,613, G>A. VCF-style: chr14-102026613-G-A. GRCh37 (hg19) VCF-style: chr14-102492950-G-A.
Other names: short protein forms V2893I.
Identifiers: ClinVar variation 1396773 (VCV001396773.7), dbSNP rs1285270824, ClinGen allele CA391008868.